The following is an entry in ClinVar:

ClinVar aggregate classification (germline): Pathogenic (1 of 4 stars; one submission).

Submission:

Labcorp Genetics (formerly Invitae), Labcorp
Classification: Pathogenic. Last evaluated: 2022-12-23. Review status: criteria provided, single submitter. Criteria: Invitae Variant Classification Sherloc (09022015). Collection method: clinical testing. Allele origin: germline.
Comment: This variant is not present in population databases (gnomAD no frequency). For these reasons, this variant has been classified as Pathogenic. Algorithms developed to predict the effect of sequence changes on RNA splicing suggest that this variant may disrupt the consensus splice site. Disruption of this splice site has been observed in individuals with Glanzmann thrombasthenia (PMID: 9215749, 25728920). This sequence change affects a donor splice site in intron 5 of the ITGB3 gene. It is expected to disrupt RNA splicing. Variants that disrupt the donor or acceptor splice site typically lead to a loss of protein function (PMID: 16199547), and loss-of-function variants in ITGB3 are known to be pathogenic (PMID: 21917754).

Literature cited by the submitters: PubMed 9215749; PubMed 25728920; PubMed 16199547; PubMed 21917754.

NM_000212.3(ITGB3):c.777+2T>G

Genes: ITGB3 (integrin subunit beta 3; plus strand), LOC130061044 (ATAC-STARR-seq lymphoblastoid active region 12308; plus strand). Cytogenetic location: 17q21.32.
Variant type: single nucleotide variant.
Coding change: c.777+2T>G on transcript NM_000212.3 (MANE Select); the canonical splice donor site of the intron after coding-DNA position 777, T replaced by G.
Molecular consequence: splice donor variant.
Genome position (GRCh38, 1-based): chr17:47,286,424, T>G. VCF-style: chr17-47286424-T-G. GRCh37 (hg19) VCF-style: chr17-45363790-T-G.
Identifiers: ClinVar variation 2823537 (VCV002823537.3), dbSNP rs2547616850, ClinGen allele CA400023718.